The following is an entry in ClinVar:

ClinVar aggregate classification (germline): Pathogenic (1 of 4 stars; one submission).

Conditions:
Nephronophthisis. Also called: Juvenile Nephronophthisis. Identifiers: Orphanet 655, MedGen C0687120, MONDO:0019005, HP:0000090.

Submission:

Labcorp Genetics (formerly Invitae), Labcorp
Classification: Pathogenic for Nephronophthisis. Last evaluated: 2025-05-14. Review status: criteria provided, single submitter. Criteria: Invitae Variant Classification Sherloc (09022015). Collection method: clinical testing. Allele origin: germline.
Comment: This sequence change creates a premature translational stop signal (p.Leu197Phefs*47) in the NPHP3 gene. It is expected to result in an absent or disrupted protein product. Loss-of-function variants in NPHP3 are known to be pathogenic (PMID: 18371931, 23559409). This variant is not present in population databases (gnomAD no frequency). This variant has not been reported in the literature in individuals affected with NPHP3-related conditions. For these reasons, this variant has been classified as Pathogenic.

Literature cited by the submitters: PubMed 18371931; PubMed 23559409.

NM_153240.5(NPHP3):c.589del (p.Leu197fs)

Genes: NPHP3 (nephrocystin 3; minus strand), NPHP3-ACAD11 (NPHP3-ACAD11 readthrough (NMD candidate); minus strand). Cytogenetic location: 3q22.1.
Variant type: Deletion.
Coding change: c.589del on transcript NM_153240.5 (MANE Select); coding-DNA position 589, one base deleted (C; older notation c.589delC).
Protein change: p.Leu197fs; shifts the reading frame from leucine 197.
Molecular consequence: frameshift variant. On other transcripts: non-coding transcript variant (1).
Genome position (GRCh38, 1-based): chr3:132,719,075, G deleted on the plus strand (C on the coding strand, the reverse complement: NPHP3 is on the minus strand). VCF-style (leftmost placement, unchanged base first): chr3-132719074-AG-A. GRCh37 (hg19) VCF-style: chr3-132437918-AG-A.
Other names: short protein forms L197fs.
Identifiers: ClinVar variation 4719577 (VCV004719577.1).